The following is an entry in ClinVar:

ClinVar aggregate classification (germline): Uncertain significance. Review status: criteria provided, multiple submitters, no conflicts (2 of 4 stars). 2 submissions from 2 submitters: Uncertain significance (2). Last evaluated 2024-10-02.

Conditions:
Inborn genetic diseases. Identifiers: MedGen C0950123, MeSH D030342.
Kabuki syndrome 2 (KABUK2). Also called: KDM6A-Related Kabuki Syndrome. Identifiers: Orphanet 2322, MedGen C3275495, MONDO:0010465, OMIM 300867.

Allele frequency attached by ClinVar (database versions not stated): gnomAD exomes 0.00001.
gnomAD v4.1: 7 of 1,209,119 alleles (0.00058%); highest among the groups gnomAD compares: Non-Finnish European, 0.00078%; no homozygotes.

Submissions (2):

Labcorp Genetics (formerly Invitae), Labcorp
Classification: Uncertain significance for Kabuki syndrome 2. Last evaluated: 2024-10-02. Review status: criteria provided, single submitter. Criteria: Invitae Variant Classification Sherloc (09022015). Collection method: clinical testing. Allele origin: germline.
Comment: This sequence change replaces lysine, which is basic and polar, with arginine, which is basic and polar, at codon 1097 of the KDM6A protein (p.Lys1097Arg). This variant is present in population databases (no rsID available, gnomAD 0.001%), including at least one homozygous and/or hemizygous individual. This variant has not been reported in the literature in individuals affected with KDM6A-related conditions. ClinVar contains an entry for this variant (Variation ID: 2337744). Invitae Evidence Modeling of protein sequence and biophysical properties (such as structural, functional, and spatial information, amino acid conservation, physicochemical variation, residue mobility, and thermodynamic stability) indicates that this missense variant is expected to disrupt KDM6A protein function with a positive predictive value of 80%. In summary, the available evidence is currently insufficient to determine the role of this variant in disease. Therefore, it has been classified as a Variant of Uncertain Significance.

Ambry Genetics
Classification: Uncertain significance for Inborn genetic diseases. Last evaluated: 2022-12-20. Review status: criteria provided, single submitter. Criteria: Ambry Variant Classification Scheme 2023. Collection method: clinical testing. Allele origin: germline.

NM_001291415.2(KDM6A):c.3446A>G (p.Lys1149Arg)

Gene: KDM6A (lysine demethylase 6A; plus strand). Cytogenetic location: Xp11.3.
Variant type: single nucleotide variant.
Coding change: c.3446A>G on transcript NM_001291415.2 (MANE Select); coding-DNA position 3446, A replaced by G.
Protein change: p.Lys1149Arg; replaces lysine 1149 with arginine.
Molecular consequence: missense variant. On other transcripts: non-coding transcript variant (1).
Genome position (GRCh38, 1-based): chrX:45,083,465, A>G. VCF-style: chrX-45083465-A-G. GRCh37 (hg19) VCF-style: chrX-44942710-A-G.
Other names: c.3311A>G, p.Lys1104Arg (NM_001291416.2); c.3155A>G, p.Lys1052Arg (NM_001291417.2); c.3053A>G, p.Lys1018Arg (NM_001291418.2); c.2402A>G, p.Lys801Arg (NM_001291421.2); c.3188A>G, p.Lys1063Arg (NM_001410742.1); c.3290A>G, p.Lys1097Arg (NM_021140.4); short protein forms K1097R, K1018R, K1104R, K1052R, K1063R, K1149R, K801R.
Identifiers: ClinVar variation 2337744 (VCV002337744.4), dbSNP rs1446396167, ClinGen allele CA412804229.
Genomic context (GRCh38, chrX:45,083,465, plus strand): 5'-ACTTCCACAGGTATTTGTAGCAGAGTTTCACTTTTGATGTGTTATTTTATTGCAGGTGGA[A>G]GTTGCAGCTACATGAGCTGACTAAACTTCCTGCTTTTGTGCGTGTCGTATCAGCAGGAAA-3'
Protein context (NP_001278344.1, residues 1139-1159): NIDLSDDKKW[Lys1149Arg]LQLHELTKLP